The following is an entry in ClinVar:

ClinVar aggregate classification (germline): Uncertain significance. Review status: criteria provided, multiple submitters, no conflicts (2 of 4 stars). 5 submissions from 5 submitters: Uncertain significance (4). 1 of the submissions does not count toward it. Last evaluated 2026-02-03.

Conditions:
Intrauterine growth retardation, metaphyseal dysplasia, adrenal hypoplasia congenita, genital anomalies, and immunodeficiency. Also called: IMAGEI SYNDROME. Identifiers: MedGen C5193036, MONDO:0032684, OMIM 618336.
Colorectal cancer, susceptibility to, 12 (CRCS12). Also called: COLORECTAL CANCER, SUSCEPTIBILITY TO, ON CHROMOSOME 12q24. Identifiers: Orphanet 220460, MedGen C3554460, MONDO:0014038, OMIM 615083.
Facial dysmorphism-immunodeficiency-livedo-short stature syndrome. Also called: Facial dysmorphism, immunodeficiency, livedo, and short stature; FILS syndrome. Identifiers: Orphanet 352712, MedGen C3554576, MONDO:0014058, OMIM 615139.
Hereditary cancer-predisposing syndrome. Also called: Neoplastic Syndromes, Hereditary; Tumor predisposition; Hereditary Cancer Syndrome; Hereditary neoplastic syndrome. Identifiers: Orphanet 140162, MedGen C0027672, MeSH D009386, MONDO:0015356.
POLE-related disorder. Also called: POLE-related disorders; POLE-related condition.

Allele frequency attached by ClinVar (database versions not stated): gnomAD 0.00002; TOPMed 0.00002; gnomAD exomes 0.00010 and 0.00013; ExAC 0.00024.
gnomAD v4.1: 74 of 1,611,308 alleles (0.0046%); highest among the groups gnomAD compares: Non-Finnish European, 0.0051%; 1 homozygote.

Submissions (5):

Labcorp Genetics (formerly Invitae), Labcorp
Classification: Uncertain significance. Last evaluated: 2026-02-03. Review status: criteria provided, single submitter. Criteria: Invitae Variant Classification Sherloc (09022015). Collection method: clinical testing. Allele origin: germline.
Comment: This sequence change replaces isoleucine, which is neutral and non-polar, with asparagine, which is neutral and polar, at codon 1756 of the POLE protein (p.Ile1756Asn). This variant is present in population databases (rs199535980, gnomAD 0.03%). This variant has not been reported in the literature in individuals affected with POLE-related conditions. ClinVar contains an entry for this variant (Variation ID: 540718). Invitae Evidence Modeling of protein sequence and biophysical properties (such as structural, functional, and spatial information, amino acid conservation, physicochemical variation, residue mobility, and thermodynamic stability) indicates that this missense variant is not expected to disrupt POLE protein function with a negative predictive value of 80%. In summary, the available evidence is currently insufficient to determine the role of this variant in disease. Therefore, it has been classified as a Variant of Uncertain Significance.

Ambry Genetics
Classification: Uncertain significance for Hereditary cancer-predisposing syndrome. Last evaluated: 2025-01-22. Review status: criteria provided, single submitter. Criteria: Ambry Variant Classification Scheme 2023. Collection method: clinical testing. Allele origin: germline.
Comment: The p.I1756N variant (also known as c.5267T>A), located in coding exon 39 of the POLE gene, results from a T to A substitution at nucleotide position 5267. The isoleucine at codon 1756 is replaced by asparagine, an amino acid with dissimilar properties. This amino acid position is conserved. In addition, this alteration is predicted to be tolerated by in silico analysis. Based on the available evidence, the clinical significance of this variant remains unclear.

Fulgent Genetics
Classification: Uncertain significance for Colorectal cancer, susceptibility to, 12; Facial dysmorphism-immunodeficiency-livedo-short stature syndrome; Intrauterine growth retardation, metaphyseal dysplasia, adrenal hypoplasia congenita, genital anomalies, and immunodeficiency. Last evaluated: 2021-10-11. Review status: criteria provided, single submitter. Criteria: ACMG Guidelines, 2015. Collection method: clinical testing. Allele origin: unknown.

Blueprint Genetics
Classification: Uncertain significance. Last evaluated: 2018-03-23. Review status: criteria provided, single submitter. Criteria: ACMG Guidelines, 2015. Collection method: clinical testing. Allele origin: germline.

PreventionGenetics, part of Exact Sciences
Classification: Uncertain significance for POLE-related condition. Last evaluated: 2024-07-25. Review status: no assertion criteria provided. Collection method: clinical testing. Allele origin: germline. Not counted in ClinVar's aggregate classification.
Comment: The POLE c.5267T>A variant is predicted to result in the amino acid substitution p.Ile1756Asn. To our knowledge, this variant has not been reported in the literature. This variant is reported in 0.026% of alleles in individuals of European (Non-Finnish) descent in gnomAD. This variant is interpreted as uncertain significance in ClinVar. At this time, the clinical significance of this variant is uncertain due to the absence of conclusive functional and genetic evidence.

NM_006231.4(POLE):c.5267T>A (p.Ile1756Asn)

Gene: POLE (DNA polymerase epsilon, catalytic subunit; minus strand). Cytogenetic location: 12q24.33.
Variant type: single nucleotide variant.
Coding change: c.5267T>A on transcript NM_006231.4 (MANE Select); coding-DNA position 5267, T replaced by A.
Protein change: p.Ile1756Asn; replaces isoleucine 1756 with asparagine.
Molecular consequence: missense variant.
Genome position (GRCh38, 1-based): chr12:132,641,758, A>T on the plus strand (T>A on the coding strand, the complement: POLE is on the minus strand). VCF-style: chr12-132641758-A-T. GRCh37 (hg19) VCF-style: chr12-133218344-A-T.
Other names: c.5267T>A (NM_006231.2); short protein forms I1756N.
Identifiers: ClinVar variation 540718 (VCV000540718.13), dbSNP rs199535980, ClinGen allele CA6892577.